The following is an entry in ClinVar:

NM_006978.3(RNF113A):c.899A>T (p.Asp300Val)

Gene: RNF113A (ring finger protein 113A; minus strand). Cytogenetic location: Xq24.
Variant type: single nucleotide variant.
Coding change: c.899A>T on transcript NM_006978.3 (MANE Select); coding-DNA position 899, A replaced by T.
Protein change: p.Asp300Val; replaces aspartic acid 300 with valine.
Molecular consequence: missense variant.
Genome position (GRCh38, 1-based): chrX:119,870,715, T>A on the plus strand (A>T on the coding strand, the complement: RNF113A is on the minus strand). VCF-style: chrX-119870715-T-A. GRCh37 (hg19) VCF-style: chrX-119004678-T-A.
Other names: short protein forms D300V.
Identifiers: ClinVar variation 3003849 (VCV003003849.3), dbSNP rs2056406241, ClinGen allele CA414186601.

ClinVar aggregate classification (germline): Uncertain significance (1 of 4 stars; one submission).

Allele frequency attached by ClinVar (database versions not stated): TOPMed below 0.00001.

Submission:

Labcorp Genetics (formerly Invitae), Labcorp
Classification: Uncertain significance. Last evaluated: 2023-12-31. Review status: criteria provided, single submitter. Criteria: Invitae Variant Classification Sherloc (09022015). Collection method: clinical testing. Allele origin: germline.
Comment: This sequence change replaces aspartic acid, which is acidic and polar, with valine, which is neutral and non-polar, at codon 300 of the RNF113A protein (p.Asp300Val). This variant is not present in population databases (gnomAD no frequency). This variant has not been reported in the literature in individuals affected with RNF113A-related conditions. Advanced modeling of protein sequence and biophysical properties (such as structural, functional, and spatial information, amino acid conservation, physicochemical variation, residue mobility, and thermodynamic stability) performed at Invitae indicates that this missense variant is expected to disrupt RNF113A protein function with a positive predictive value of 80%. In summary, the available evidence is currently insufficient to determine the role of this variant in disease. Therefore, it has been classified as a Variant of Uncertain Significance.